The following is an entry in ClinVar:

NM_030777.4(SLC2A10):c.433G>A (p.Val145Met)

Gene: SLC2A10 (solute carrier family 2 member 10; plus strand). Cytogenetic location: 20q13.12.
Variant type: single nucleotide variant.
Coding change: c.433G>A on transcript NM_030777.4 (MANE Select); coding-DNA position 433, G replaced by A.
Protein change: p.Val145Met; replaces valine 145 with methionine.
Molecular consequence: missense variant.
Genome position (GRCh38, 1-based): chr20:46,725,469, G>A. VCF-style: chr20-46725469-G-A. GRCh37 (hg19) VCF-style: chr20-45354108-G-A.
Other names: short protein forms V145M.
Identifiers: ClinVar variation 647015 (VCV000647015.13), dbSNP rs772308135, ClinGen allele CA9891976.

ClinVar aggregate classification (germline): Uncertain significance. Review status: criteria provided, multiple submitters, no conflicts (2 of 4 stars). 3 submissions from 3 submitters: Uncertain significance (3). Last evaluated 2025-06-09.

Conditions:
Arterial tortuosity syndrome (ATORS). Identifiers: Orphanet 3342, MedGen C1859726, MONDO:0008818, OMIM 208050.
Familial thoracic aortic aneurysm and aortic dissection (TAAD). Also called: Thoracic aortic aneurysms and dissections. Identifiers: Orphanet 91387, MedGen C4707243, MONDO:0019625.

Allele frequency attached by ClinVar (database versions not stated): gnomAD below 0.00001 and 0.00001; gnomAD exomes 0.00001 and 0.00002; TOPMed 0.00001; ExAC 0.00003.
gnomAD v4.1: 15 of 1,614,038 alleles (0.00093%); highest among the groups gnomAD compares: South Asian, 0.0088%; no homozygotes.

Submissions (3):

Labcorp Genetics (formerly Invitae), Labcorp
Classification: Uncertain significance for Arterial tortuosity syndrome. Last evaluated: 2025-06-09. Review status: criteria provided, single submitter. Criteria: Invitae Variant Classification Sherloc (09022015). Collection method: clinical testing. Allele origin: germline.
Comment: This sequence change replaces valine, which is neutral and non-polar, with methionine, which is neutral and non-polar, at codon 145 of the SLC2A10 protein (p.Val145Met). This variant is present in population databases (rs772308135, gnomAD 0.01%). This variant has not been reported in the literature in individuals affected with SLC2A10-related conditions. ClinVar contains an entry for this variant (Variation ID: 647015). Invitae Evidence Modeling of protein sequence and biophysical properties (such as structural, functional, and spatial information, amino acid conservation, physicochemical variation, residue mobility, and thermodynamic stability) indicates that this missense variant is not expected to disrupt SLC2A10 protein function with a negative predictive value of 95%. In summary, the available evidence is currently insufficient to determine the role of this variant in disease. Therefore, it has been classified as a Variant of Uncertain Significance.

GeneDx
Classification: Uncertain significance. Last evaluated: 2024-05-13. Review status: criteria provided, single submitter. Criteria: GeneDx Variant Classification Process June 2021. Collection method: clinical testing. Allele origin: germline. Affected: yes.
Comment: Not observed at significant frequency in large population cohorts (gnomAD); In silico analysis indicates that this missense variant does not alter protein structure/function; Has not been previously published as pathogenic or benign to our knowledge

Ambry Genetics
Classification: Uncertain significance for Familial thoracic aortic aneurysm and aortic dissection. Last evaluated: 2024-05-12. Review status: criteria provided, single submitter. Criteria: Ambry Variant Classification Scheme 2023. Collection method: clinical testing. Allele origin: germline.
Comment: The p.V145M variant (also known as c.433G>A), located in coding exon 2 of the SLC2A10 gene, results from a G to A substitution at nucleotide position 433. The valine at codon 145 is replaced by methionine, an amino acid with highly similar properties. This amino acid position is not well conserved in available vertebrate species, and methionine is the reference amino acid in other vertebrate species. In addition, this alteration is predicted to be tolerated by in silico analysis. Since supporting evidence is limited at this time, the clinical significance of this alteration remains unclear.